The following is an entry in ClinVar:

ClinVar aggregate classification (germline): Uncertain significance. Review status: criteria provided, multiple submitters, no conflicts (2 of 4 stars). 2 submissions from 2 submitters: Uncertain significance (2). Last evaluated 2025-10-06.

Allele frequency attached by ClinVar (database versions not stated): ExAC 0.00003; gnomAD exomes 0.00003; TOPMed 0.00004; gnomAD 0.00005.
gnomAD v4.1: 78 of 1,608,076 alleles (0.0049%); highest among the groups gnomAD compares: Non-Finnish European, 0.0061%; no homozygotes.

Submissions (2):

Labcorp Genetics (formerly Invitae), Labcorp
Classification: Uncertain significance. Last evaluated: 2025-10-06. Review status: criteria provided, single submitter. Criteria: Invitae Variant Classification Sherloc (09022015). Collection method: clinical testing. Allele origin: germline.
Comment: This sequence change replaces arginine, which is basic and polar, with cysteine, which is neutral and slightly polar, at codon 965 of the NUP205 protein (p.Arg965Cys). This variant is present in population databases (rs767911212, gnomAD 0.006%). This variant has not been reported in the literature in individuals affected with NUP205-related conditions. ClinVar contains an entry for this variant (Variation ID: 1417553). Invitae Evidence Modeling of protein sequence and biophysical properties (such as structural, functional, and spatial information, amino acid conservation, physicochemical variation, residue mobility, and thermodynamic stability) indicates that this missense variant is not expected to disrupt NUP205 protein function with a negative predictive value of 80%. In summary, the available evidence is currently insufficient to determine the role of this variant in disease. Therefore, it has been classified as a Variant of Uncertain Significance.

Ambry Genetics
Classification: Uncertain significance. Last evaluated: 2024-05-10. Review status: criteria provided, single submitter. Criteria: Ambry Variant Classification Scheme 2023. Collection method: clinical testing. Allele origin: germline.

NM_015135.3(NUP205):c.2893C>T (p.Arg965Cys)

Gene: NUP205 (nucleoporin 205; plus strand). Cytogenetic location: 7q33.
Variant type: single nucleotide variant.
Coding change: c.2893C>T on transcript NM_015135.3 (MANE Select); coding-DNA position 2893, C replaced by T.
Protein change: p.Arg965Cys; replaces arginine 965 with cysteine.
Molecular consequence: missense variant.
Genome position (GRCh38, 1-based): chr7:135,606,214, C>T. VCF-style: chr7-135606214-C-T. GRCh37 (hg19) VCF-style: chr7-135290962-C-T.
Other names: c.1819C>T, p.Arg607Cys (NM_001329434.2); c.2893C>T (NM_015135.2); short protein forms R965C, R607C.
Identifiers: ClinVar variation 1417553 (VCV001417553.7), dbSNP rs767911212, ClinGen allele CA4498442.